The following is an entry in ClinVar:

ClinVar aggregate classification (germline): Uncertain significance (1 of 4 stars; one submission).

Conditions:
Neuropathy, hereditary sensory and autonomic, type 2A (HSAN2A). Also called: ACROOSTEOLYSIS, GIACCAI TYPE; ACROOSTEOLYSIS, NEUROGENIC; MORVAN DISEASE; NEUROPATHY, CONGENITAL SENSORY; NEUROPATHY, HEREDITARY SENSORY RADICULAR, AUTOSOMAL RECESSIVE; NEUROPATHY, HEREDITARY SENSORY, TYPE IIA. Identifiers: Orphanet 970, MedGen C2752089, MONDO:0024309, OMIM 201300.
Pseudohypoaldosteronism type 2C (PHA2C). Also called: Pseudohypoaldosteronism Type IIC. Identifiers: Orphanet 757, Orphanet 88940, MedGen C1840391, MONDO:0013778, OMIM 614492.

Submission:

Labcorp Genetics (formerly Invitae), Labcorp
Classification: Uncertain significance for Neuropathy, hereditary sensory and autonomic, type 2A; Pseudohypoaldosteronism type 2C. Last evaluated: 2024-02-18. Review status: criteria provided, single submitter. Criteria: Invitae Variant Classification Sherloc (09022015). Collection method: clinical testing. Allele origin: germline.
Comment: This sequence change replaces alanine, which is neutral and non-polar, with threonine, which is neutral and polar, at codon 1604 of the WNK1 protein (p.Ala1604Thr). This variant is not present in population databases (gnomAD no frequency). This variant has not been reported in the literature in individuals affected with WNK1-related conditions. Advanced modeling of protein sequence and biophysical properties (such as structural, functional, and spatial information, amino acid conservation, physicochemical variation, residue mobility, and thermodynamic stability) performed at Invitae indicates that this missense variant is not expected to disrupt WNK1 protein function with a negative predictive value of 95%. In summary, the available evidence is currently insufficient to determine the role of this variant in disease. Therefore, it has been classified as a Variant of Uncertain Significance.

NM_018979.4(WNK1):c.4054G>A (p.Ala1352Thr)

Gene: WNK1 (WNK lysine deficient protein kinase 1; plus strand). Cytogenetic location: 12p13.33.
Variant type: single nucleotide variant.
Coding change: c.4054G>A on transcript NM_018979.4 (MANE Select); coding-DNA position 4054, G replaced by A.
Protein change: p.Ala1352Thr; replaces alanine 1352 with threonine.
Molecular consequence: missense variant.
Genome position (GRCh38, 1-based): chr12:884,858, G>A. VCF-style: chr12-884858-G-A. GRCh37 (hg19) VCF-style: chr12-994024-G-A.
Other names: c.4834G>A, p.Ala1612Thr (NM_001184985.2); c.3313G>A, p.Ala1105Thr (NM_014823.3); c.4810G>A, p.Ala1604Thr (NM_213655.5); short protein forms A1105T, A1352T, A1604T, A1612T.
Identifiers: ClinVar variation 3748629 (VCV003748629.2).